The following is an entry in ClinVar:

ClinVar aggregate classification (germline): Uncertain significance. Review status: criteria provided, multiple submitters, no conflicts (2 of 4 stars). 3 submissions from 3 submitters: Uncertain significance (3). Last evaluated 2025-11-19.

Conditions:
BBS1-related disorder. Also called: BBS1-related condition.
Bardet-Biedl syndrome 1 (BBS1). Identifiers: MedGen C2936862, MONDO:0008854, OMIM 209900. Disease mechanism: loss of function.

gnomAD v4.1: 9 of 1,614,068 alleles (0.00056%); highest among the groups gnomAD compares: South Asian, 0.0033%; no homozygotes.

Submissions (3):

PreventionGenetics, part of Exact Sciences
Classification: Uncertain significance for BBS1-related condition. Last evaluated: 2025-11-19. Review status: criteria provided, single submitter. Criteria: ACMG Guidelines, 2015. Collection method: clinical testing. Allele origin: germline.
Comment: The BBS1 c.868G>A variant is predicted to result in the amino acid substitution p.Ala290Thr. To our knowledge, this variant has not been reported in the literature. This variant is reported in 0.0026% of alleles in individuals of European (Non-Finnish) descent in gnomAD. At this time, the clinical significance of this variant is uncertain due to the absence of conclusive functional and genetic evidence.

Fulgent Genetics
Classification: Uncertain significance for Bardet-Biedl syndrome 1. Last evaluated: 2024-04-26. Review status: criteria provided, single submitter. Criteria: ACMG Guidelines, 2015. Collection method: clinical testing. Allele origin: germline.

Blueprint Genetics
Classification: Uncertain significance. Last evaluated: 2023-06-14. Review status: criteria provided, single submitter. Criteria: ACMG Guidelines, 2015. Collection method: clinical testing. Allele origin: germline.

NM_024649.5(BBS1):c.868G>A (p.Ala290Thr)

Genes: BBS1 (Bardet-Biedl syndrome 1; plus strand), ZDHHC24 (zDHHC palmitoyltransferase 24; minus strand). Cytogenetic location: 11q13.2.
Variant type: single nucleotide variant.
Coding change: c.868G>A on transcript NM_024649.5 (MANE Select); coding-DNA position 868, G replaced by A.
Protein change: p.Ala290Thr; replaces alanine 290 with threonine.
Molecular consequence: missense variant. On other transcripts: intron variant (1).
Genome position (GRCh38, 1-based): chr11:66,523,493, G>A. VCF-style: chr11-66523493-G-A. GRCh37 (hg19) VCF-style: chr11-66290964-G-A.
Other names: c.868G>A (NM_024649.4); c.*22-2027C>T (NM_001348571.2); short protein forms A290T.
Identifiers: ClinVar variation 3600113 (VCV003600113.3).